The following is an entry in ClinVar:

ClinVar aggregate classification (germline): Pathogenic (0 of 4 stars; one submission).

Conditions:
von Willebrand disease type 3 (VWD3). Also called: Type 3 Von Willebrand's disease; Type 3 VWD; Von Willebrand disease, severe form; V WD3; VON WILLEBRAND DISEASE, TYPE III. Identifiers: Orphanet 166096, MedGen C1264041, MONDO:0010191, OMIM 277480.

Submission:

Angelo Bianchi Bonomi Hemophilia and Thrombosis Center, Fondazione IRCCS Ca Granda Ospedale Maggiore Policlinico
Classification: Pathogenic for von Willebrand disease type 3. Last evaluated: 2021-04-12. Review status: no assertion criteria provided. Collection method: clinical testing. Allele origin: germline. Affected: yes. Study: Type 3 Von Willebrand International Registries Inhibitor Prospective Study (3WINTERS-IPS).
Comment: CNV Interpretation Scoring Rubric: Copy Number LOSS

Literature cited by the submitters: PubMed 7989040.

NC_000012.11:g.(?_6058180)_(6233842_?)del

Gene: VWF (von Willebrand factor; minus strand). Cytogenetic location: 12p13.31.
Variant type: Deletion.
Identifiers: ClinVar variation 1065230 (VCV001065230.3).